The following is an entry in ClinVar:

ClinVar aggregate classification (germline): Likely benign (1 of 4 stars; one submission).

Submission:

CeGaT Center for Human Genetics Tuebingen
Classification: Likely benign. Last evaluated: 2025-02-01. Review status: criteria provided, single submitter. Criteria: CeGaT Center For Human Genetics Tuebingen Variant Classification Criteria Version 2. Collection method: clinical testing. Allele origin: germline. Affected: yes. Observed: 1 variant allele.
Comment: PRDM13: PM2:Supporting, BP4, BP7

NM_021620.4(PRDM13):c.1542G>T (p.Ser514=)

Gene: PRDM13 (PR/SET domain 13; plus strand). Cytogenetic location: 6q16.2.
Variant type: single nucleotide variant.
Coding change: c.1542G>T on transcript NM_021620.4 (MANE Select); coding-DNA position 1542, G replaced by T.
Protein change: p.Ser514=; no amino-acid change (serine 514 retained).
Molecular consequence: synonymous variant.
Genome position (GRCh38, 1-based): chr6:99,614,177, G>T. VCF-style: chr6-99614177-G-T. GRCh37 (hg19) VCF-style: chr6-100062053-G-T.
Identifiers: ClinVar variation 3772483 (VCV003772483.13).
Genomic context (GRCh38, chr6:99,614,177, plus strand): 5'-GTCCATCTCCTACTTCAGCGGGCCTGCAGCGGCCGCCCTAAGCCCCGCCGAGCTGGGGTC[G>T]CTGGCCAGCATCGACCGAGAGATCGCCATGCACAATCAGCAGCTGTCCGAGATGGCTGCC-3'
Protein context (NP_067633.2, residues 504-524): AAALSPAELG[Ser514=]LASIDREIAM